The following is an entry in ClinVar:

NM_152384.3(BBS5):c.817-10T>A

Gene: BBS5 (Bardet-Biedl syndrome 5; plus strand). Cytogenetic location: 2q31.1.
Variant type: single nucleotide variant.
Coding change: c.817-10T>A on transcript NM_152384.3 (MANE Select); 10 bases into the intron before coding-DNA position 817, T replaced by A.
Molecular consequence: intron variant.
Genome position (GRCh38, 1-based): chr2:169,503,085, T>A. VCF-style: chr2-169503085-T-A. GRCh37 (hg19) VCF-style: chr2-170359595-T-A.
Identifiers: ClinVar variation 949783 (VCV000949783.8), dbSNP rs1683838280, ClinGen allele CA1139657344.

ClinVar aggregate classification (germline): Uncertain significance (1 of 4 stars; one submission).

Conditions:
Bardet-Biedl syndrome (BBS). Identifiers: Orphanet 110, MedGen C0752166, MONDO:0015229.

Submission:

Labcorp Genetics (formerly Invitae), Labcorp
Classification: Uncertain significance for Bardet-Biedl syndrome. Last evaluated: 2025-03-17. Review status: criteria provided, single submitter. Criteria: Invitae Variant Classification Sherloc (09022015). Collection method: clinical testing. Allele origin: germline.
Comment: This sequence change falls in intron 9 of the BBS5 gene. It does not directly change the encoded amino acid sequence of the BBS5 protein. This variant is not present in population databases (gnomAD no frequency). This variant has not been reported in the literature in individuals affected with BBS5-related conditions. ClinVar contains an entry for this variant (Variation ID: 949783). Algorithms developed to predict the effect of sequence changes on RNA splicing suggest that this variant may disrupt the consensus splice site. In summary, the available evidence is currently insufficient to determine the role of this variant in disease. Therefore, it has been classified as a Variant of Uncertain Significance.